The following is an entry in ClinVar:

ClinVar aggregate classification (germline): Conflicting classifications of pathogenicity. Review status: criteria provided, conflicting classifications (1 of 4 stars). 6 submissions from 5 submitters: Uncertain significance (5); Likely benign (1). Last evaluated 2025-01-08.

Conditions:
Inborn genetic diseases. Identifiers: MedGen C0950123, MeSH D030342.
Leber congenital amaurosis 6 (LCA6). Identifiers: Orphanet 65, MedGen C1854260, MONDO:0013446, OMIM 613826.
Cone-rod dystrophy 13 (CORD13). Identifiers: Orphanet 1872, MedGen C2750720, MONDO:0011987, OMIM 608194.

Allele frequency attached by ClinVar (database versions not stated): ExAC 0.00007; TOPMed 0.00030; gnomAD exomes 0.00007; gnomAD 0.00027 and 0.00030; 1000 Genomes Project 0.00040; ESP Exome Variant Server 0.00008; 1000 Genomes Project 30x 0.00062.
gnomAD v4.1: 86 of 1,606,866 alleles (0.0054%); highest among the groups gnomAD compares: African/African-American, 0.11%; no homozygotes.

Submissions (6):

Ambry Genetics
Classification: Uncertain significance for Inborn genetic diseases. Last evaluated: 2025-01-08. Review status: criteria provided, single submitter. Criteria: Ambry Variant Classification Scheme 2023. Collection method: clinical testing. Allele origin: germline.

Blueprint Genetics
Classification: Likely benign. Last evaluated: 2024-07-24. Review status: criteria provided, single submitter. Criteria: ACMG Guidelines, 2015. Collection method: clinical testing. Allele origin: germline.

Labcorp Genetics (formerly Invitae), Labcorp
Classification: Uncertain significance for Leber congenital amaurosis 6; Cone-rod dystrophy 13. Last evaluated: 2022-10-04. Review status: criteria provided, single submitter. Criteria: Invitae Variant Classification Sherloc (09022015). Collection method: clinical testing. Allele origin: germline.
Comment: This sequence change replaces glycine, which is neutral and non-polar, with arginine, which is basic and polar, at codon 126 of the RPGRIP1 protein (p.Gly126Arg). This variant is present in population databases (rs375226924, gnomAD 0.1%). This variant has not been reported in the literature in individuals affected with RPGRIP1-related conditions. ClinVar contains an entry for this variant (Variation ID: 95951). Advanced modeling of protein sequence and biophysical properties (such as structural, functional, and spatial information, amino acid conservation, physicochemical variation, residue mobility, and thermodynamic stability) performed at Invitae indicates that this missense variant is not expected to disrupt RPGRIP1 protein function. In summary, the available evidence is currently insufficient to determine the role of this variant in disease. Therefore, it has been classified as a Variant of Uncertain Significance.

Genome-Nilou Lab
Classification: Uncertain significance for Leber congenital amaurosis 6. Last evaluated: 2021-11-07. Review status: criteria provided, single submitter. Criteria: ACMG Guidelines, 2015. Collection method: clinical testing. Allele origin: germline. Affected: no.

Genome-Nilou Lab
Classification: Uncertain significance for Cone-rod dystrophy 13. Last evaluated: 2021-11-07. Review status: criteria provided, single submitter. Criteria: ACMG Guidelines, 2015. Collection method: clinical testing. Allele origin: germline. Affected: no.

Eurofins Ntd Llc (ga)
Classification: Uncertain significance. Last evaluated: 2013-08-14. Review status: criteria provided, single submitter. Criteria: EGL Classification Definitions 2015. Collection method: clinical testing. Allele origin: germline. Observed: 1 variant allele, 1 heterozygote.

NM_020366.4(RPGRIP1):c.376G>C (p.Gly126Arg)

Gene: RPGRIP1 (RPGR interacting protein 1; plus strand). Cytogenetic location: 14q11.2.
Variant type: single nucleotide variant.
Coding change: c.376G>C on transcript NM_020366.4 (MANE Select); coding-DNA position 376, G replaced by C.
Protein change: p.Gly126Arg; replaces glycine 126 with arginine.
Molecular consequence: missense variant.
Genome position (GRCh38, 1-based): chr14:21,301,123, G>C. VCF-style: chr14-21301123-G-C. GRCh37 (hg19) VCF-style: chr14-21769282-G-C.
Other names: short protein forms G126R.
Identifiers: ClinVar variation 95951 (VCV000095951.15), dbSNP rs375226924, ClinGen allele CA223568.